The following is an entry in ClinVar:

ClinVar aggregate classification (germline): Uncertain significance. Review status: criteria provided, multiple submitters, no conflicts (2 of 4 stars). 2 submissions from 2 submitters: Uncertain significance (2). Last evaluated 2025-01-19.

Conditions:
Inborn genetic diseases. Identifiers: MedGen C0950123, MeSH D030342.

Allele frequency attached by ClinVar (database versions not stated): ExAC 0.00003; gnomAD 0.00003 and 0.00004; gnomAD exomes 0.00005 and 0.00006; ESP Exome Variant Server 0.00008.
gnomAD v4.1: 86 of 1,613,446 alleles (0.0053%); highest among the groups gnomAD compares: Non-Finnish European, 0.0069%; no homozygotes.

Submissions (2):

Ambry Genetics
Classification: Uncertain significance for Inborn genetic diseases. Last evaluated: 2025-01-19. Review status: criteria provided, single submitter. Criteria: Ambry Variant Classification Scheme 2023. Collection method: clinical testing. Allele origin: germline.

Labcorp Genetics (formerly Invitae), Labcorp
Classification: Uncertain significance. Last evaluated: 2022-08-21. Review status: criteria provided, single submitter. Criteria: Invitae Variant Classification Sherloc (09022015). Collection method: clinical testing. Allele origin: germline.
Comment: This sequence change replaces arginine, which is basic and polar, with cysteine, which is neutral and slightly polar, at codon 646 of the TUBGCP6 protein (p.Arg646Cys). This variant is present in population databases (rs377155356, gnomAD 0.01%). This variant has not been reported in the literature in individuals affected with TUBGCP6-related conditions. ClinVar contains an entry for this variant (Variation ID: 1388378). Algorithms developed to predict the effect of missense changes on protein structure and function are either unavailable or do not agree on the potential impact of this missense change (SIFT: "Deleterious"; PolyPhen-2: "Probably Damaging"; Align-GVGD: "Class C0"). In summary, the available evidence is currently insufficient to determine the role of this variant in disease. Therefore, it has been classified as a Variant of Uncertain Significance.

NM_020461.4(TUBGCP6):c.1936C>T (p.Arg646Cys)

Gene: TUBGCP6 (tubulin gamma complex component 6; minus strand). Cytogenetic location: 22q13.33.
Variant type: single nucleotide variant.
Coding change: c.1936C>T on transcript NM_020461.4 (MANE Select); coding-DNA position 1936, C replaced by T.
Protein change: p.Arg646Cys; replaces arginine 646 with cysteine.
Molecular consequence: missense variant.
Genome position (GRCh38, 1-based): chr22:50,225,841, G>A on the plus strand (C>T on the coding strand, the complement: TUBGCP6 is on the minus strand). VCF-style: chr22-50225841-G-A. GRCh37 (hg19) VCF-style: chr22-50664270-G-A.
Other names: c.1936C>T (NM_020461.3); short protein forms R646C.
Identifiers: ClinVar variation 1388378 (VCV001388378.4), dbSNP rs377155356, ClinGen allele CA10308446.
Genomic context (GRCh38, chr22:50,225,841, plus strand): 5'-TGGTGCCACGCACCTTCTCCTCCTTGCTGACAGAGCTGTGGCGGGCCACCCTCTCCATGC[G>A]CCCAACGTAGACGGCACAGTCCTTCTCAATCTCCTTCAACTCCTCAAGGGAGAAAATCAC-3'
Protein context (NP_065194.3, residues 636-656): IEKDCAVYVG[Arg646Cys]MERVARHSSV